The following is an entry in ClinVar:

NM_000059.4(BRCA2):c.6959del (p.Leu2320fs)

Gene: BRCA2 (BRCA2 DNA repair associated; plus strand). Cytogenetic location: 13q13.1.
Variant type: Deletion.
Coding change: c.6959del on transcript NM_000059.4 (MANE Select); coding-DNA position 6959, one base deleted (T; older notation c.6959delT).
Protein change: p.Leu2320fs; shifts the reading frame from leucine 2320.
Molecular consequence: frameshift variant.
Genome position (GRCh38, 1-based): chr13:32,346,848, T deleted; the last of 2 consecutive T bases (chr13:32,346,847-32,346,848); deleting either gives the same sequence. VCF-style (leftmost placement, unchanged base first): chr13-32346846-AT-A. GRCh37 (hg19) VCF-style: chr13-32920983-AT-A.
Other names: 7187delT-ter2327; c.6959delT (NM_000059.3).
Identifiers: ClinVar variation 52228 (VCV000052228.7), dbSNP rs397507888, ClinGen allele CA024633.

ClinVar aggregate classification (germline): Pathogenic. Review status: reviewed by expert panel (3 of 4 stars). 2 submissions from 2 submitters: Pathogenic (1). 1 of the submissions does not count toward it. Last evaluated 2016-10-18.

Conditions:
Breast-ovarian cancer, familial, susceptibility to, 2 (BROVCA2). Also called: BRCA2 Hereditary Breast and Ovarian Cancer. Identifiers: Orphanet 145, MedGen C2675520, MONDO:0012933, OMIM 612555. Disease mechanism: loss of function.

Submissions (2):

Evidence-based Network for the Interpretation of Germline Mutant Alleles (ENIGMA)
Classification: Pathogenic for Breast-ovarian cancer, familial, susceptibility to, 2. Last evaluated: 2016-10-18. Review status: reviewed by expert panel. Criteria: ENIGMA BRCA1/2 Classification Criteria (2015). Collection method: curation. Allele origin: germline.
Comment: Variant allele predicted to encode a truncated non-functional protein.

Consortium of Investigators of Modifiers of BRCA1/2 (CIMBA), c/o University of Cambridge
Classification: Pathogenic for Breast-ovarian cancer, familial, susceptibility to, 2. Last evaluated: 2015-10-02. Review status: criteria provided, single submitter. Criteria: CIMBA Mutation Classification guidelines May 2016. Collection method: clinical testing. Allele origin: germline. Not counted in ClinVar's aggregate classification.